The following is an entry in ClinVar:

NM_014889.4(PITRM1):c.2660C>T (p.Ala887Val)

Gene: PITRM1 (pitrilysin metallopeptidase 1; minus strand). Cytogenetic location: 10p15.2.
Variant type: single nucleotide variant.
Coding change: c.2660C>T on transcript NM_014889.4 (MANE Select); coding-DNA position 2660, C replaced by T.
Protein change: p.Ala887Val; replaces alanine 887 with valine.
Molecular consequence: missense variant. On other transcripts: non-coding transcript variant (4).
Genome position (GRCh38, 1-based): chr10:3,140,798, G>A on the plus strand (C>T on the coding strand, the complement: PITRM1 is on the minus strand). VCF-style: chr10-3140798-G-A. GRCh37 (hg19) VCF-style: chr10-3182990-G-A.
Other names: c.2663C>T, p.Ala888Val (NM_001242307.2); c.2366C>T, p.Ala789Val (NM_001242309.1); c.2462C>T, p.Ala821Val (NM_001347725.2); c.1847C>T, p.Ala616Val (NM_001347726.2); c.2045C>T, p.Ala682Val (NM_001347727.2); c.1355C>T, p.Ala452Val (NM_001347728.2); c.2636C>T, p.Ala879Val (NM_001347729.1); c.2438C>T, p.Ala813Val (NM_001347730.1); and 1 more; short protein forms A452V, A813V, A616V, A821V, A879V, A682V, A887V, A789V.
Identifiers: ClinVar variation 1990148 (VCV001990148.2), dbSNP rs998266024, ClinGen allele CA201339338.

ClinVar aggregate classification (germline): Uncertain significance. Review status: criteria provided, multiple submitters, no conflicts (2 of 4 stars). 2 submissions from 2 submitters: Uncertain significance (2). Last evaluated 2023-12-09.

Allele frequency attached by ClinVar (database versions not stated): gnomAD 0.00001; TOPMed 0.00003.

Submissions (2):

Ambry Genetics
Classification: Uncertain significance. Last evaluated: 2023-12-09. Review status: criteria provided, single submitter. Criteria: Ambry Variant Classification Scheme 2023. Collection method: clinical testing. Allele origin: germline.

Labcorp Genetics (formerly Invitae), Labcorp
Classification: Uncertain significance. Last evaluated: 2022-02-01. Review status: criteria provided, single submitter. Criteria: Invitae Variant Classification Sherloc (09022015). Collection method: clinical testing. Allele origin: germline.
Comment: This sequence change replaces alanine, which is neutral and non-polar, with valine, which is neutral and non-polar, at codon 789 of the PITRM1 protein (p.Ala789Val). This variant is not present in population databases (gnomAD no frequency). This variant has not been reported in the literature in individuals affected with PITRM1-related conditions. Algorithms developed to predict the effect of missense changes on protein structure and function are either unavailable or do not agree on the potential impact of this missense change (SIFT: "Deleterious"; PolyPhen-2: "Probably Damaging"; Align-GVGD: "Class C0"). Algorithms developed to predict the effect of sequence changes on RNA splicing suggest that this variant may create or strengthen a splice site. In summary, the available evidence is currently insufficient to determine the role of this variant in disease. Therefore, it has been classified as a Variant of Uncertain Significance.